The following is an entry in ClinVar:

NM_000051.4(ATM):c.3314C>A (p.Ser1105Tyr)

Gene: ATM (ATM serine/threonine kinase; plus strand). Cytogenetic location: 11q22.3.
Variant type: single nucleotide variant.
Coding change: c.3314C>A on transcript NM_000051.4 (MANE Select); coding-DNA position 3314, C replaced by A.
Protein change: p.Ser1105Tyr; replaces serine 1105 with tyrosine.
Molecular consequence: missense variant.
Genome position (GRCh38, 1-based): chr11:108,279,520, C>A. VCF-style: chr11-108279520-C-A. GRCh37 (hg19) VCF-style: chr11-108150247-C-A.
Other names: c.3314C>A, p.Ser1105Tyr (NM_001351834.2); short protein forms S1105Y.
Identifiers: ClinVar variation 1024203 (VCV001024203.8), dbSNP rs141999815, ClinGen allele CA382517440.
Genomic context (GRCh38, chr11:108,279,520, plus strand): 5'-TTTGTTTGTTTGTTTGCTTGCTTGTTTTAAGATTGTTCCAGGACACGAAGGGAGATTCTT[C>A]CAGGTTACTGAAAGCACTTCCTTTGAAGCTTCAGCAAACAGCTTTTGAAAATGCATACTT-3'
Protein context (NP_000042.3, residues 1095-1115): RLFQDTKGDS[Ser1105Tyr]RLLKALPLKL

ClinVar aggregate classification (germline): Uncertain significance (1 of 4 stars; one submission).

Conditions:
Ataxia-telangiectasia syndrome (AT). Also called: ATAXIA-TELANGIECTASIA, FRESNO VARIANT; Ataxia-telangiectasia, complementation group D; AT, COMPLEMENTATION GROUP C; Cerebello-oculocutaneous telangiectasia; Immunodeficiency with ataxia telangiectasia; Ataxia telangiectasia (A-T). Identifiers: Orphanet 100, MedGen C0004135, MONDO:0008840, OMIM 208900.

Submission:

Labcorp Genetics (formerly Invitae), Labcorp
Classification: Uncertain significance for Ataxia-telangiectasia syndrome. Last evaluated: 2018-12-31. Review status: criteria provided, single submitter. Criteria: Invitae Variant Classification Sherloc (09022015). Collection method: clinical testing. Allele origin: germline.
Comment: In summary, the available evidence is currently insufficient to determine the role of this variant in disease. Therefore, it has been classified as a Variant of Uncertain Significance. Algorithms developed to predict the effect of missense changes on protein structure and function (SIFT, PolyPhen-2, Align-GVGD) all suggest that this variant is likely to be tolerated, but these predictions have not been confirmed by published functional studies and their clinical significance is uncertain. This variant has not been reported in the literature in individuals with ATM-related conditions. This variant is not present in population databases (ExAC no frequency). This sequence change replaces serine with tyrosine at codon 1105 of the ATM protein (p.Ser1105Tyr). The serine residue is moderately conserved and there is a large physicochemical difference between serine and tyrosine.